The following is an entry in ClinVar:

NM_001853.4(COL9A3):c.824T>C (p.Phe275Ser)

Gene: COL9A3 (collagen type IX alpha 3 chain; plus strand). Cytogenetic location: 20q13.33.
Variant type: single nucleotide variant.
Coding change: c.824T>C on transcript NM_001853.4 (MANE Select); coding-DNA position 824, T replaced by C.
Protein change: p.Phe275Ser; replaces phenylalanine 275 with serine.
Molecular consequence: missense variant.
Genome position (GRCh38, 1-based): chr20:62,827,272, T>C. VCF-style: chr20-62827272-T-C. GRCh37 (hg19) VCF-style: chr20-61458624-T-C.
Other names: short protein forms F275S.
Identifiers: ClinVar variation 1384232 (VCV001384232.8), dbSNP rs2147211518, ClinGen allele CA409592529.

ClinVar aggregate classification (germline): Uncertain significance (1 of 4 stars; one submission).

Submission:

Labcorp Genetics (formerly Invitae), Labcorp
Classification: Uncertain significance. Last evaluated: 2022-02-05. Review status: criteria provided, single submitter. Criteria: Invitae Variant Classification Sherloc (09022015). Collection method: clinical testing. Allele origin: germline.
Comment: In summary, the available evidence is currently insufficient to determine the role of this variant in disease. Therefore, it has been classified as a Variant of Uncertain Significance. Advanced modeling of protein sequence and biophysical properties (such as structural, functional, and spatial information, amino acid conservation, physicochemical variation, residue mobility, and thermodynamic stability) performed at Invitae indicates that this missense variant is not expected to disrupt COL9A3 protein function. This variant has not been reported in the literature in individuals affected with COL9A3-related conditions. This variant is not present in population databases (gnomAD no frequency). This sequence change replaces phenylalanine, which is neutral and non-polar, with serine, which is neutral and polar, at codon 275 of the COL9A3 protein (p.Phe275Ser).